The following is an entry in ClinVar:

NM_017739.4(POMGNT1):c.458C>A (p.Ser153Ter)

Genes: POMGNT1 (protein O-linked mannose N-acetylglucosaminyltransferase 1 (beta 1,2-); minus strand), TSPAN1 (tetraspanin 1; plus strand). Cytogenetic location: 1p34.1.
Variant type: single nucleotide variant.
Coding change: c.458C>A on transcript NM_017739.4 (MANE Select); coding-DNA position 458, C replaced by A.
Protein change: p.Ser153Ter; replaces serine 153 with a stop codon.
Molecular consequence: nonsense.
Genome position (GRCh38, 1-based): chr1:46,195,887, G>T on the plus strand (C>A on the coding strand, the complement: POMGNT1 is on the minus strand). VCF-style: chr1-46195887-G-T. GRCh37 (hg19) VCF-style: chr1-46661559-G-T.
Other names: c.458C>A, p.Ser153Ter (NM_001243766.2, NM_001410783.1); c.392C>A, p.Ser131Ter (NM_001290129.3); c.29C>A, p.Ser10Ter (NM_001290130.2); short protein forms S10*, S131*, S153*.
Identifiers: ClinVar variation 1726418 (VCV001726418.2), dbSNP rs1048865247, ClinGen allele CA340188645.

ClinVar aggregate classification (germline): Likely pathogenic (1 of 4 stars; one submission).

Conditions:
Muscular dystrophy-dystroglycanopathy (congenital with brain and eye anomalies), type A3. Also called: Muscular dystrophy-dystroglycanopathy (congenital with brain and eye anomalies), type A, 3; Congenital muscular dystrophy-dystroglycanopathy with brain and eye anomalies, type A3; WALKER-WARBURG SYNDROME OR MUSCLE-EYE-BRAIN DISEASE, POMGNT1-RELATED. Identifiers: MedGen C3151519, MONDO:0009667, OMIM 253280.

gnomAD v4.1: 1 of 1,613,690 alleles (0.000062%); highest among the groups gnomAD compares: Non-Finnish European, 0.000085%; no homozygotes.

Submission:

Myriad Genetics, Inc.
Classification: Likely pathogenic for Muscular dystrophy-dystroglycanopathy (congenital with brain and eye anomalies), type A3. Last evaluated: 2021-12-17. Review status: criteria provided, single submitter. Criteria: Myriad Women's Health Autosomal Recessive and X-Linked Classification Criteria (2021). Collection method: clinical testing. Allele origin: unknown.
Comment: NM_017739.3(POMGNT1):c.458C>A(S153*) is expected to be pathogenic in the context of POMGNT-related disorders. This variant is predicted to lead to an abnormal or absent protein product due to the creation of a premature termination codon in POMGNT1, a gene where loss-of-function variants are known to be pathogenic. Please note: this variant was assessed in the context of healthy population screening.